The following is an entry in ClinVar:

ClinVar aggregate classification (germline): Likely benign (0 of 4 stars; one submission).

Conditions:
RAI1-related disorder. Also called: RAI1-related condition.

gnomAD v4.1: 2 of 1,613,862 alleles (0.00012%); highest among the groups gnomAD compares: Non-Finnish European, 0.00017%; no homozygotes.

Submission:

PreventionGenetics, part of Exact Sciences
Classification: Likely benign for RAI1-related condition. Last evaluated: 2020-06-22. Review status: no assertion criteria provided. Collection method: clinical testing. Allele origin: germline.
Comment: This variant is classified as likely benign based on ACMG/AMP sequence variant interpretation guidelines (Richards et al. 2015 PMID: 25741868, with internal and published modifications).

NM_030665.4(RAI1):c.4941C>T (p.Ala1647=)

Gene: RAI1 (retinoic acid induced 1; plus strand). Cytogenetic location: 17p11.2.
Variant type: single nucleotide variant.
Coding change: c.4941C>T on transcript NM_030665.4 (MANE Select); coding-DNA position 4941, C replaced by T.
Protein change: p.Ala1647=; no amino-acid change (alanine 1647 retained).
Molecular consequence: synonymous variant.
Genome position (GRCh38, 1-based): chr17:17,797,889, C>T. VCF-style: chr17-17797889-C-T. GRCh37 (hg19) VCF-style: chr17-17701203-C-T.
Identifiers: ClinVar variation 3348796 (VCV003348796.1).